The following is an entry in ClinVar:

NM_000179.3(MSH6):c.2820T>A (p.Ala940=)

Gene: MSH6 (mutS homolog 6; plus strand). Cytogenetic location: 2p16.3.
Variant type: single nucleotide variant.
Coding change: c.2820T>A on transcript NM_000179.3 (MANE Select); coding-DNA position 2820, T replaced by A.
Protein change: p.Ala940=; no amino-acid change (alanine 940 retained).
Molecular consequence: synonymous variant.
Genome position (GRCh38, 1-based): chr2:47,800,803, T>A. VCF-style: chr2-47800803-T-A. GRCh37 (hg19) VCF-style: chr2-48027942-T-A.
Other names: c.2430T>A, p.Ala810= (NM_001281492.2); c.1914T>A, p.Ala638= (NM_001281493.2, NM_001281494.2).
Identifiers: ClinVar variation 237167 (VCV000237167.18), dbSNP rs878853722, ClinGen allele CA10582070.

ClinVar aggregate classification (germline): Benign/Likely benign. Review status: criteria provided, multiple submitters, no conflicts (2 of 4 stars). 4 submissions from 4 submitters: Benign (1); Likely benign (3). Last evaluated 2025-12-08.

Conditions:
Hereditary cancer-predisposing syndrome. Also called: Hereditary neoplastic syndrome; Hereditary Cancer Syndrome; Neoplastic Syndromes, Hereditary; Tumor predisposition. Identifiers: Orphanet 140162, MedGen C0027672, MeSH D009386, MONDO:0015356.
Hereditary nonpolyposis colorectal neoplasms. Identifiers: MedGen C0009405, MeSH D003123.
Lynch syndrome. Identifiers: Orphanet 144, MedGen C4552100, MONDO:0005835. Disease mechanism: loss of function.
Lynch syndrome 5 (LYNCH5). Also called: Hereditary non-polyposis colorectal cancer, type 5; Colorectal cancer, hereditary nonpolyposis, type 5. Identifiers: Orphanet 144, MedGen C1833477, MONDO:0013710, OMIM 614350. Disease mechanism: loss of function.

Allele frequency attached by ClinVar (database versions not stated): gnomAD exomes 0.00001.
gnomAD v4.1: 11 of 1,614,088 alleles (0.00068%); highest among the groups gnomAD compares: East Asian, 0.0067%; no homozygotes.

Submissions (4):

Labcorp Genetics (formerly Invitae), Labcorp
Classification: Likely benign for Hereditary nonpolyposis colorectal neoplasms. Last evaluated: 2025-12-08. Review status: criteria provided, single submitter. Criteria: Invitae Variant Classification Sherloc (09022015). Collection method: clinical testing. Allele origin: germline.

Myriad Genetics, Inc.
Classification: Benign for Lynch syndrome 5. Last evaluated: 2025-01-03. Review status: criteria provided, single submitter. Criteria: Myriad Autosomal Dominant, Autosomal Recessive and X-Linked Classification Criteria (2023). Collection method: clinical testing. Allele origin: unknown.
Comment: This variant is considered benign. This variant is a silent/synonymous amino acid change and it is not expected to impact splicing.

All of Us Research Program, National Institutes of Health
Classification: Likely benign for Lynch syndrome. Last evaluated: 2023-12-01. Review status: criteria provided, single submitter. Criteria: ACMG Guidelines, 2015. Collection method: clinical testing. Allele origin: germline. Inheritance: Autosomal dominant inheritance. Observed: 1 variant allele, 1 heterozygote.
Comment: This study involves interpretation of variants in research participants for the purpose of population health screening. Participant phenotype was not available at the time of variant classification. Additional details can be found in publication PMID: 35346344, PMCID: PMC8962531

Ambry Genetics
Classification: Likely benign for Hereditary cancer-predisposing syndrome. Last evaluated: 2015-08-23. Review status: criteria provided, single submitter. Criteria: Ambry Variant Classification Scheme 2023. Collection method: clinical testing. Allele origin: germline.